The following is an entry in ClinVar:

ClinVar aggregate classification (germline): Uncertain significance (1 of 4 stars; one submission).

Conditions:
Cardiovascular phenotype. Identifiers: MedGen CN230736.

Submission:

Ambry Genetics
Classification: Uncertain significance for Cardiovascular phenotype. Last evaluated: 2025-08-19. Review status: criteria provided, single submitter. Criteria: Ambry Variant Classification Scheme 2023. Collection method: clinical testing. Allele origin: germline.
Comment: The p.F434L variant (also known as c.1302T>G), located in coding exon 9 of the CBL gene, results from a T to G substitution at nucleotide position 1302. The phenylalanine at codon 434 is replaced by leucine, an amino acid with highly similar properties. This amino acid position is conserved. In addition, the in silico prediction for this alteration is inconclusive. Based on the available evidence, the clinical significance of this variant remains unclear.

NM_005188.4(CBL):c.1302T>G (p.Phe434Leu)

Gene: CBL (Cbl proto-oncogene; plus strand). Cytogenetic location: 11q23.3.
Variant type: single nucleotide variant.
Coding change: c.1302T>G on transcript NM_005188.4 (MANE Select); coding-DNA position 1302, T replaced by G.
Protein change: p.Phe434Leu; replaces phenylalanine 434 with leucine.
Molecular consequence: missense variant.
Genome position (GRCh38, 1-based): chr11:119,278,584, T>G. VCF-style: chr11-119278584-T-G. GRCh37 (hg19) VCF-style: chr11-119149294-T-G.
Other names: short protein forms F434L.
Identifiers: ClinVar variation 4219906 (VCV004219906.1).